The following is an entry in ClinVar:

NM_000193.4(SHH):c.789C>G (p.Arg263=)

Gene: SHH (sonic hedgehog signaling molecule; minus strand). Cytogenetic location: 7q36.3.
Variant type: single nucleotide variant.
Coding change: c.789C>G on transcript NM_000193.4 (MANE Select); coding-DNA position 789, C replaced by G.
Protein change: p.Arg263=; no amino-acid change (arginine 263 retained).
Molecular consequence: synonymous variant. On other transcripts: intron variant (1).
Genome position (GRCh38, 1-based): chr7:155,803,500, G>C on the plus strand (C>G on the coding strand, the complement: SHH is on the minus strand). VCF-style: chr7-155803500-G-C. GRCh37 (hg19) VCF-style: chr7-155596194-G-C.
Other names: c.301+2796C>G (NM_001310462.2).
Identifiers: ClinVar variation 3036136 (VCV003036136.8), dbSNP rs538266080, ClinGen allele CA4586946.
Genomic context (GRCh38, chr7:155,803,500, plus strand): 5'-CCCGGTGGCCGAGTCGTTGTGCGGCGCCACAAAGAGCAGGTGCGCGGCGGTGAGCAGCAG[G>C]CGCTCGCGCGGCTCCCGCGTCTCGATCACGTAGAAGACCTTCTTGGCGCCGTCGTCGCGG-3'
Protein context (NP_000184.1, residues 253-273): YVIETREPRE[Arg263=]LLLTAAHLLF

ClinVar aggregate classification (germline): Likely benign. Review status: criteria provided, multiple submitters, no conflicts (2 of 4 stars). 3 submissions from 3 submitters: Likely benign (2). 1 of the submissions does not count toward it. Last evaluated 2026-03-01.

Conditions:
Holoprosencephaly 3 (HPE3). Identifiers: Orphanet 2162, MedGen C1840529, MONDO:0007733, OMIM 142945.
SHH-related disorder. Also called: SHH-related condition; SHH-related disorders.

Allele frequency attached by ClinVar (database versions not stated): TOPMed 0.00019; ExAC 0.00022; gnomAD 0.00023; 1000 Genomes Project 0.00040; 1000 Genomes Project 30x 0.00047.
gnomAD v4.1: 59 of 1,574,016 alleles (0.0037%); highest among the groups gnomAD compares: African/African-American, 0.056%; no homozygotes.

Submissions (3):

CeGaT Center for Human Genetics Tuebingen
Classification: Likely benign. Last evaluated: 2026-03-01. Review status: criteria provided, single submitter. Criteria: CeGaT Center For Human Genetics Tuebingen Variant Classification Criteria Version 2. Collection method: clinical testing. Allele origin: germline. Affected: yes. Observed: 1 variant allele.
Comment: SHH: BP4, BP7

Labcorp Genetics (formerly Invitae), Labcorp
Classification: Likely benign for Holoprosencephaly 3. Last evaluated: 2024-03-02. Review status: criteria provided, single submitter. Criteria: Invitae Variant Classification Sherloc (09022015). Collection method: clinical testing. Allele origin: germline.

PreventionGenetics, part of Exact Sciences
Classification: Likely benign for SHH-related condition. Last evaluated: 2024-02-13. Review status: no assertion criteria provided. Collection method: clinical testing. Allele origin: germline. Not counted in ClinVar's aggregate classification.
Comment: This variant is classified as likely benign based on ACMG/AMP sequence variant interpretation guidelines (Richards et al. 2015 PMID: 25741868, with internal and published modifications).